The following is an entry in ClinVar:

NM_030962.4(SBF2):c.2662G>A (p.Gly888Ser)

Genes: SBF2 (SET binding factor 2; minus strand), LOC101928008 (uncharacterized LOC101928008; plus strand). Cytogenetic location: 11p15.4.
Variant type: single nucleotide variant.
Coding change: c.2662G>A on transcript NM_030962.4 (MANE Select); coding-DNA position 2662, G replaced by A.
Protein change: p.Gly888Ser; replaces glycine 888 with serine.
Molecular consequence: missense variant.
Genome position (GRCh38, 1-based): chr11:9,850,167, C>T on the plus strand (G>A on the coding strand, the complement: SBF2 is on the minus strand). VCF-style: chr11-9850167-C-T. GRCh37 (hg19) VCF-style: chr11-9871714-C-T.
Other names: c.2662G>A, p.Gly888Ser (NM_001386339.1); c.2533G>A, p.Gly845Ser (NM_001386342.1); short protein forms G845S, G888S.
Identifiers: ClinVar variation 1412689 (VCV001412689.6), dbSNP rs369589966, ClinGen allele CA5881480.

ClinVar aggregate classification (germline): Uncertain significance (1 of 4 stars; one submission).

Conditions:
Charcot-Marie-Tooth disease type 4. Also called: Charcot-Marie-Tooth, Type 4; Charcot-Marie-Tooth disease, type IV. Identifiers: Orphanet 64749, MedGen C4082197, MONDO:0018995.

Allele frequency attached by ClinVar (database versions not stated): gnomAD 0.00001; gnomAD exomes 0.00001; TOPMed 0.00001; ExAC 0.00003; ESP Exome Variant Server 0.00008.
gnomAD v4.1: 5 of 1,613,862 alleles (0.00031%); highest among the groups gnomAD compares: Non-Finnish European, 0.00042%; no homozygotes.

Submission:

Labcorp Genetics (formerly Invitae), Labcorp
Classification: Uncertain significance for Charcot-Marie-Tooth disease type 4. Last evaluated: 2021-11-24. Review status: criteria provided, single submitter. Criteria: Invitae Variant Classification Sherloc (09022015). Collection method: clinical testing. Allele origin: germline.
Comment: In summary, the available evidence is currently insufficient to determine the role of this variant in disease. Therefore, it has been classified as a Variant of Uncertain Significance. Algorithms developed to predict the effect of missense changes on protein structure and function are either unavailable or do not agree on the potential impact of this missense change (SIFT: "Tolerated"; PolyPhen-2: "Possibly Damaging"; Align-GVGD: "Class C0"). This variant has not been reported in the literature in individuals affected with SBF2-related conditions. This variant is present in population databases (rs369589966, gnomAD 0.004%). This sequence change replaces glycine, which is neutral and non-polar, with serine, which is neutral and polar, at codon 888 of the SBF2 protein (p.Gly888Ser).